The following is an entry in ClinVar:

ClinVar aggregate classification (germline): Pathogenic (1 of 4 stars; one submission).

Submission:

GeneDx
Classification: Pathogenic. Last evaluated: 2026-03-10. Review status: criteria provided, single submitter. Criteria: GeneDx Variant Classification Process June 2021. Collection method: clinical testing. Allele origin: germline.
Comment: Nonsense variant predicted to result in protein truncation or nonsense mediated decay in a gene for which loss of function is a known mechanism of disease; Not observed at significant frequency in large population cohorts (gnomAD); Has not been previously published as pathogenic or benign to our knowledge

NM_018136.5(ASPM):c.8207del (p.Phe2735_Leu2736insTer)

Gene: ASPM (assembly factor for spindle microtubules; minus strand). Cytogenetic location: 1q31.3.
Variant type: Deletion.
Coding change: c.8207del on transcript NM_018136.5 (MANE Select); coding-DNA position 8207, one base deleted (T; older notation c.8207delT).
Protein change: p.Phe2735_Leu2736insTer.
Molecular consequence: nonsense. On other transcripts: intron variant (1).
Genome position (GRCh38, 1-based): chr1:197,101,044, A deleted on the plus strand (T on the coding strand, the reverse complement: ASPM is on the minus strand); the first of 5 consecutive A bases (chr1:197,101,044-197,101,048); deleting any one gives the same sequence. VCF-style (leftmost placement, unchanged base first): chr1-197101043-TA-T. GRCh37 (hg19) VCF-style: chr1-197070173-TA-T.
Other names: c.4066-4880del (NM_001206846.2).
Identifiers: ClinVar variation 4891432 (VCV004891432.1).